The following is an entry in ClinVar:

NM_002206.3(ITGA7):c.824G>T (p.Arg275Leu)

Gene: ITGA7 (integrin subunit alpha 7; minus strand). Cytogenetic location: 12q13.2.
Variant type: single nucleotide variant.
Coding change: c.824G>T on transcript NM_002206.3 (MANE Select); coding-DNA position 824, G replaced by T.
Protein change: p.Arg275Leu; replaces arginine 275 with leucine.
Molecular consequence: missense variant. On other transcripts: 5 prime UTR variant (1).
Genome position (GRCh38, 1-based): chr12:55,698,884, C>A on the plus strand (G>T on the coding strand, the complement: ITGA7 is on the minus strand). VCF-style: chr12-55698884-C-A. GRCh37 (hg19) VCF-style: chr12-56092668-C-A.
Other names: c.836G>T, p.Arg279Leu (NM_001144996.2, NM_001414029.1, NM_001414030.1); c.545G>T, p.Arg182Leu (NM_001144997.2); c.497G>T, p.Arg166Leu (NM_001367993.1); c.-469G>T (NM_001367994.1); c.824G>T, p.Arg275Leu (NM_001374465.1, NM_001414031.1, NM_001414034.1); c.956G>T, p.Arg319Leu (NM_001410977.1); c.704G>T, p.Arg235Leu (NM_001414032.1); c.641G>T, p.Arg214Leu (NM_001414033.1); and 1 more; short protein forms R279L, R166L, R275L, R162L, R182L, R214L, R235L, R319L.
Identifiers: ClinVar variation 2183462 (VCV002183462.4), dbSNP rs74867235, ClinGen allele CA6616144.
Genomic context (GRCh38, chr12:55,698,884, plus strand): 5'-ACCACAGCACCCTTGTGGTTGGCGCGGGGGGCTCCAGCCACAAAGCTCAGCTCTTCTGCA[C>A]GCACCAGACCTTTCCCCGAGTCAATAGAGAAGCCTGGGGGAAGGGTGACTTACCCCTAAG-3'
Protein context (NP_002197.2, residues 265-285): FSIDSGKGLV[Arg275Leu]AEELSFVAGA

ClinVar aggregate classification (germline): Uncertain significance (1 of 4 stars; one submission).

Conditions:
Congenital muscular dystrophy due to integrin alpha-7 deficiency. Also called: Congenital muscular dystrophy with integrin alpha-7 deficiency; Muscular dystrophy, congenital, due to ITGA7 deficiency; MYOPATHY, CONGENITAL, DUE TO INTEGRIN ALPHA-7 DEFICIENCY. Identifiers: Orphanet 34520, MedGen C2750786, MONDO:0013177, OMIM 613204.

Allele frequency attached by ClinVar (database versions not stated): 1000 Genomes Project 30x 0.00031.
gnomAD v4.1: 4 of 1,613,492 alleles (0.00025%); highest among the groups gnomAD compares: East Asian, 0.0022%; no homozygotes.

Submission:

Labcorp Genetics (formerly Invitae), Labcorp
Classification: Uncertain significance for Congenital muscular dystrophy due to integrin alpha-7 deficiency. Last evaluated: 2024-08-05. Review status: criteria provided, single submitter. Criteria: Invitae Variant Classification Sherloc (09022015). Collection method: clinical testing. Allele origin: germline.
Comment: This sequence change replaces arginine, which is basic and polar, with leucine, which is neutral and non-polar, at codon 275 of the ITGA7 protein (p.Arg275Leu). This variant is present in population databases (rs74867235, gnomAD 0.002%). This variant has not been reported in the literature in individuals affected with ITGA7-related conditions. ClinVar contains an entry for this variant (Variation ID: 2183462). Advanced modeling of protein sequence and biophysical properties (such as structural, functional, and spatial information, amino acid conservation, physicochemical variation, residue mobility, and thermodynamic stability) performed at Invitae indicates that this missense variant is expected to disrupt ITGA7 protein function with a positive predictive value of 80%. Algorithms developed to predict the effect of sequence changes on RNA splicing suggest that this variant may create or strengthen a splice site. In summary, the available evidence is currently insufficient to determine the role of this variant in disease. Therefore, it has been classified as a Variant of Uncertain Significance.